The following is an entry in ClinVar:

NM_000094.4(COL7A1):c.6770G>C (p.Gly2257Ala)

Gene: COL7A1 (collagen type VII alpha 1 chain; minus strand). Cytogenetic location: 3p21.31.
Variant type: single nucleotide variant.
Coding change: c.6770G>C on transcript NM_000094.4 (MANE Select); coding-DNA position 6770, G replaced by C.
Protein change: p.Gly2257Ala; replaces glycine 2257 with alanine.
Molecular consequence: missense variant.
Genome position (GRCh38, 1-based): chr3:48,572,923, C>G on the plus strand (G>C on the coding strand, the complement: COL7A1 is on the minus strand). VCF-style: chr3-48572923-C-G. GRCh37 (hg19) VCF-style: chr3-48610356-C-G.
Other names: short protein forms G2257A.
Identifiers: ClinVar variation 372763 (VCV000372763.7), dbSNP rs1057517969, ClinGen allele CA16042516.
Genomic context (GRCh38, chr3:48,572,923, plus strand): 5'-GGCACACCAGGGCTCCCTCTGTCTCCATCTTTTCCACTGGCACCATCTCGACCTGGGGCT[C>G]CCGGCTTCCCTGTCTCCCCCTGAGAGGGAAGAGCTCTGTCAGGGCTGCCTGTCGACCCTT-3'
Protein context (NP_000085.1, residues 2247-2267): PGQVGETGKP[Gly2257Ala]APGRDGASGK

ClinVar aggregate classification (germline): Conflicting classifications of pathogenicity. Review status: criteria provided, conflicting classifications (1 of 4 stars). 4 submissions from 4 submitters: Pathogenic (2); Likely pathogenic (1); Uncertain significance (1). Last evaluated 2025-09-16.

Conditions:
Epidermolysis bullosa dystrophica. Also called: Dystrophic epidermolysis bullosa, Hallopeau-Siemens type (formerly); Dystrophic epidermolysis bullosa. Identifiers: Orphanet 303, MedGen C0079294, MONDO:0006543.

Submissions (4):

Natera, Inc.
Classification: Likely pathogenic for Dystrophic epidermolysis bullosa. Last evaluated: 2025-09-16. Review status: criteria provided, single submitter. Criteria: Natera Variant Classification Schema (03/2026). Collection method: clinical testing. Allele origin: germline.
Comment: The c.6770G>C variant in COL7A1 is a missense variant predicted to cause substitution of glycine to alanine at amino acid 2257. This variant is rare in the general population with a frequency below the threshold expected for the associated phenotype(s). This variant has been observed in affected individual(s) with monoallelic occurrence (heterozygous/hemizygous) (PMID: 27130450, 16971478). This variant has been identified in one or more affected individual with a phenotype highly consistent with the associated gene (PMID: 27130450). A different variant at the same position has been determined to be Pathogenic or Likely Pathogenic. Computational prediction algorithms indicate this variant is likely to affect gene or protein function. Given the available evidence, this variant is classified as Likely Pathogenic.

Labcorp Genetics (formerly Invitae), Labcorp
Classification: Pathogenic. Last evaluated: 2023-12-18. Review status: criteria provided, single submitter. Criteria: Invitae Variant Classification Sherloc (09022015). Collection method: clinical testing. Allele origin: germline.
Comment: This sequence change replaces glycine, which is neutral and non-polar, with alanine, which is neutral and non-polar, at codon 2257 of the COL7A1 protein (p.Gly2257Ala). This variant is not present in population databases (gnomAD no frequency). This missense change has been observed in individual(s) with autosomal recessive dystrophic epidermolysis bullosa (PMID: 16971478; Invitae). In at least one individual the data is consistent with being in trans (on the opposite chromosome) from a pathogenic variant. ClinVar contains an entry for this variant (Variation ID: 372763). Advanced modeling of protein sequence and biophysical properties (such as structural, functional, and spatial information, amino acid conservation, physicochemical variation, residue mobility, and thermodynamic stability) performed at Invitae indicates that this missense variant is expected to disrupt COL7A1 protein function with a positive predictive value of 95%. This variant disrupts the triple helix domain of COL7A1. Glycine residues within the Gly-Xaa-Yaa repeats of the triple helix domain are required for the structure and stability of fibrillar collagens (PMID: 7695699, 8218237, 19344236), and variants at these glycine residues in COL7A1 are more frequently observed in individuals with disease than in the general population (PMID: 22058051). However, the clinical significance of this observation remains uncertain since only a limited number of affected individuals have been described to date. For these reasons, this variant has been classified as Pathogenic.

Blueprint Genetics
Classification: Uncertain significance. Last evaluated: 2023-07-14. Review status: criteria provided, single submitter. Criteria: ACMG Guidelines, 2015. Collection method: clinical testing. Allele origin: germline.

GeneDx
Classification: Pathogenic. Last evaluated: 2016-11-11. Review status: criteria provided, single submitter. Criteria: GeneDx Variant Classification (06012015). Collection method: clinical testing. Allele origin: germline. Affected: yes.
Comment: The G2257A variant in the COL7A1 gene has been previously reported in patients with the Non-Hallopeau-Siemens subtype of dystrophic epidermolysis bullosa (DEB) (Varki et al., 2007). It was not observed in approximately 6,500 individuals of European and African American ancestry in the NHLBI Exome Sequencing Project, indicating it is not a common benign variant in these populations. G2257A is a conservative amino acid substitution, which is not likely to impact secondary protein structure as these residues share similar properties. This substitution occurs at a position within the triple helical domain that is conserved across species and in silico analysis predicts this variant is probably damaging to the protein structure/function. Furthermore, missense variants in nearby residues ( P2259L, G2260D) have been reported in the Human Gene Mutation Database in association with DEB and bullous dermolysis of newborn (Stenson et al., 2014), supporting the functional importance of this region of the protein. Therefore we interpret the G2257A variant as pathogenic.

Literature cited by the submitters: PubMed 27130450 (cited by Natera, Inc.); PubMed 16971478 (cited by Natera, Inc. and Labcorp Genetics (formerly Invitae), Labcorp); PubMed 7695699 (cited by Labcorp Genetics (formerly Invitae), Labcorp); PubMed 8218237 (cited by Labcorp Genetics (formerly Invitae), Labcorp); PubMed 19344236 (cited by Labcorp Genetics (formerly Invitae), Labcorp); PubMed 22058051 (cited by Labcorp Genetics (formerly Invitae), Labcorp).